The following is an entry in ClinVar:

NM_024675.4(PALB2):c.1601C>A (p.Ser534Tyr)

Gene: PALB2 (partner and localizer of BRCA2; minus strand). Cytogenetic location: 16p12.2.
Variant type: single nucleotide variant.
Coding change: c.1601C>A on transcript NM_024675.4 (MANE Select); coding-DNA position 1601, C replaced by A.
Protein change: p.Ser534Tyr; replaces serine 534 with tyrosine.
Molecular consequence: missense variant. On other transcripts: intron variant (3).
Genome position (GRCh38, 1-based): chr16:23,634,945, G>T on the plus strand (C>A on the coding strand, the complement: PALB2 is on the minus strand). VCF-style: chr16-23634945-G-T. GRCh37 (hg19) VCF-style: chr16-23646266-G-T.
Other names: c.1541C>A, p.Ser514Tyr (NM_001407296.1); c.1601C>A, p.Ser534Tyr (NM_001407297.1, NM_001407298.1, NM_001407299.1 and 3 more transcripts); c.716C>A, p.Ser239Tyr (NM_001407304.1, NM_001407305.1, NM_001407306.1 and 5 more transcripts); c.49-5670C>A (NM_001407314.1); c.-104-4476C>A (NM_001407313.1, NM_001407312.1); short protein forms S239Y, S514Y, S534Y.
Identifiers: ClinVar variation 4861499 (VCV004861499.1).
Genomic context (GRCh38, chr16:23,634,945, plus strand): 5'-TCGTGCTGATATTTGTGTGAGGTGACTTCTTCCTTGGACCTGTTAACAATCGACAGGCTA[G>T]AAGTTGGCAAAAGTGGTTCACAATGATCTGATGCTGGGGTGCAGGCTGATTTTCTTTTTC-3'
Protein context (NP_078951.2, residues 524-544): SDHCEPLLPT[Ser534Tyr]SLSIVNRSKE

ClinVar aggregate classification (germline): Uncertain significance (1 of 4 stars; one submission).

Conditions:
Hereditary cancer-predisposing syndrome. Also called: Neoplastic Syndromes, Hereditary; Tumor predisposition; Hereditary Cancer Syndrome; Hereditary neoplastic syndrome. Identifiers: Orphanet 140162, MedGen C0027672, MeSH D009386, MONDO:0015356.

Submission:

Ambry Genetics
Classification: Uncertain significance for Hereditary cancer-predisposing syndrome. Last evaluated: 2026-05-14. Review status: criteria provided, single submitter. Criteria: Ambry Variant Classification Scheme 2023. Collection method: clinical testing. Allele origin: germline.
Comment: The p.S534Y variant (also known as c.1601C>A), located in coding exon 4 of the PALB2 gene, results from a C to A substitution at nucleotide position 1601. The serine at codon 534 is replaced by tyrosine, an amino acid with dissimilar properties. This amino acid position is conserved. In addition, this alteration is predicted to be tolerated by in silico analysis. Based on the available evidence, the clinical significance of this variant remains unclear.